The following is an entry in ClinVar:

NM_207391.3(RGS9BP):c.488A>G (p.Asn163Ser)

Gene: RGS9BP (regulator of G protein signaling 9 binding protein; plus strand). Cytogenetic location: 19q13.11.
Variant type: single nucleotide variant.
Coding change: c.488A>G on transcript NM_207391.3 (MANE Select); coding-DNA position 488, A replaced by G.
Protein change: p.Asn163Ser; replaces asparagine 163 with serine.
Molecular consequence: missense variant.
Genome position (GRCh38, 1-based): chr19:32,676,751, A>G. VCF-style: chr19-32676751-A-G. GRCh37 (hg19) VCF-style: chr19-33167657-A-G.
Other names: short protein forms N163S.
Identifiers: ClinVar variation 970516 (VCV000970516.7), dbSNP rs374121330, ClinGen allele CA307486309.

ClinVar aggregate classification (germline): Uncertain significance (1 of 4 stars; one submission).

Allele frequency attached by ClinVar (database versions not stated): TOPMed below 0.00001; gnomAD 0.00001; gnomAD exomes 0.00001; ESP Exome Variant Server 0.00009.

Submission:

Labcorp Genetics (formerly Invitae), Labcorp
Classification: Uncertain significance. Last evaluated: 2022-08-09. Review status: criteria provided, single submitter. Criteria: Invitae Variant Classification Sherloc (09022015). Collection method: clinical testing. Allele origin: germline.
Comment: This sequence change replaces asparagine, which is neutral and polar, with serine, which is neutral and polar, at codon 163 of the RGS9BP protein (p.Asn163Ser). This variant is present in population databases (rs374121330, gnomAD 0.005%). This variant has not been reported in the literature in individuals affected with RGS9BP-related conditions. ClinVar contains an entry for this variant (Variation ID: 970516). Algorithms developed to predict the effect of missense changes on protein structure and function (SIFT, PolyPhen-2, Align-GVGD) all suggest that this variant is likely to be tolerated. In summary, the available evidence is currently insufficient to determine the role of this variant in disease. Therefore, it has been classified as a Variant of Uncertain Significance.